The following is an entry in ClinVar:

NM_001273.5(CHD4):c.4060+40C>G

Genes: CHD4 (chromodomain helicase DNA binding protein 4; minus strand), CHD4-AS1 (CHD4 antisense RNA 1; plus strand). Cytogenetic location: 12p13.31.
Variant type: single nucleotide variant.
Coding change: c.4060+40C>G on transcript NM_001273.5 (MANE Select); 40 bases into the intron after coding-DNA position 4060, C replaced by G.
Molecular consequence: intron variant.
Genome position (GRCh38, 1-based): chr12:6,583,158, G>C on the plus strand (C>G on the coding strand, the complement: CHD4 is on the minus strand). VCF-style: chr12-6583158-G-C. GRCh37 (hg19) VCF-style: chr12-6692324-G-C.
Other names: c.4021+40C>G (NM_001363606.2); c.4039+40C>G (NM_001297553.2).
Identifiers: ClinVar variation 2642626 (VCV002642626.24), dbSNP rs1948224944, ClinGen allele CA383576683.

ClinVar aggregate classification (germline): Uncertain significance (1 of 4 stars; one submission).

Allele frequency attached by ClinVar (database versions not stated): TOPMed below 0.00001.

Submission:

CeGaT Center for Human Genetics Tuebingen
Classification: Uncertain significance. Last evaluated: 2023-10-01. Review status: criteria provided, single submitter. Criteria: CeGaT Center For Human Genetics Tuebingen Variant Classification Criteria Version 2. Collection method: clinical testing. Allele origin: germline. Affected: yes. Observed: 1 variant allele.
Comment: CHD4: PM2, PP2, PP3